The following is an entry in ClinVar:

ClinVar aggregate classification (germline): Uncertain significance. Review status: criteria provided, multiple submitters, no conflicts (2 of 4 stars). 2 submissions from 2 submitters: Uncertain significance (2). Last evaluated 2025-04-14.

Conditions:
Carnitine palmitoyl transferase 1A deficiency. Also called: Carnitine palmitoyltransferase 1A deficiency; Carnitine palmitoyltransferase type I deficiency; CPT deficiency, hepatic, type IA; CPT I DEFICIENCY; CPT DEFICIENCY, HEPATIC, TYPE I. Identifiers: Orphanet 156, MedGen C1829703, MONDO:0009705, OMIM 255120.
CPT1A-related disorder. Also called: CPT1A-related condition.

Allele frequency attached by ClinVar (database versions not stated): gnomAD 0.00001; gnomAD exomes 0.00001 and 0.00003; ExAC 0.00002; TOPMed 0.00003.
gnomAD v4.1: 22 of 1,613,962 alleles (0.0014%); highest among the groups gnomAD compares: Middle Eastern, 0.033%; no homozygotes.

Submissions (2):

PreventionGenetics, part of Exact Sciences
Classification: Uncertain significance for CPT1A-related condition. Last evaluated: 2025-04-14. Review status: criteria provided, single submitter. Criteria: ACMG Guidelines, 2015. Collection method: clinical testing. Allele origin: germline.
Comment: The CPT1A c.1933C>T variant is predicted to result in the amino acid substitution p.Arg645Cys. To our knowledge, this variant has not been reported in the literature. This variant is reported in 0.0065% of alleles in individuals of South Asian descent in gnomAD. At this time, the clinical significance of this variant is uncertain due to the absence of conclusive functional and genetic evidence.

Labcorp Genetics (formerly Invitae), Labcorp
Classification: Uncertain significance for Carnitine palmitoyl transferase 1A deficiency. Last evaluated: 2022-09-27. Review status: criteria provided, single submitter. Criteria: Invitae Variant Classification Sherloc (09022015). Collection method: clinical testing. Allele origin: germline.
Comment: This sequence change replaces arginine, which is basic and polar, with cysteine, which is neutral and slightly polar, at codon 645 of the CPT1A protein (p.Arg645Cys). This variant is present in population databases (rs367840385, gnomAD 0.006%). This variant has not been reported in the literature in individuals affected with CPT1A-related conditions. ClinVar contains an entry for this variant (Variation ID: 1415942). Advanced modeling of protein sequence and biophysical properties (such as structural, functional, and spatial information, amino acid conservation, physicochemical variation, residue mobility, and thermodynamic stability) performed at Invitae indicates that this missense variant is expected to disrupt CPT1A protein function. In summary, the available evidence is currently insufficient to determine the role of this variant in disease. Therefore, it has been classified as a Variant of Uncertain Significance.

NM_001876.4(CPT1A):c.1933C>T (p.Arg645Cys)

Gene: CPT1A (carnitine palmitoyltransferase 1A; minus strand). Cytogenetic location: 11q13.3.
Variant type: single nucleotide variant.
Coding change: c.1933C>T on transcript NM_001876.4 (MANE Select); coding-DNA position 1933, C replaced by T.
Protein change: p.Arg645Cys; replaces arginine 645 with cysteine.
Molecular consequence: missense variant.
Genome position (GRCh38, 1-based): chr11:68,761,630, G>A on the plus strand (C>T on the coding strand, the complement: CPT1A is on the minus strand). VCF-style: chr11-68761630-G-A. GRCh37 (hg19) VCF-style: chr11-68529098-G-A.
Other names: c.1933C>T, p.Arg645Cys (NM_001031847.3); c.1933C>T (NM_001876.3); short protein forms R645C.
Identifiers: ClinVar variation 1415942 (VCV001415942.4), dbSNP rs367840385, ClinGen allele CA6152150.